The following is an entry in ClinVar:

ClinVar aggregate classification (germline): Likely benign (0 of 4 stars; one submission).

Conditions:
ARHGEF10-related disorder. Also called: ARHGEF10-related condition.

Allele frequency attached by ClinVar (database versions not stated): TOPMed below 0.00001; gnomAD 0.00001.
gnomAD v4.1: 7 of 1,614,108 alleles (0.00043%); highest among the groups gnomAD compares: Admixed American, 0.0033%; no homozygotes.

Submission:

PreventionGenetics, part of Exact Sciences
Classification: Likely benign for ARHGEF10-related condition. Last evaluated: 2022-04-12. Review status: no assertion criteria provided. Collection method: clinical testing. Allele origin: germline.
Comment: This variant is classified as likely benign based on ACMG/AMP sequence variant interpretation guidelines (Richards et al. 2015 PMID: 25741868, with internal and published modifications).

NM_014629.4(ARHGEF10):c.2004G>A (p.Arg668=)

Gene: ARHGEF10 (Rho guanine nucleotide exchange factor 10; plus strand). Cytogenetic location: 8p23.3.
Variant type: single nucleotide variant.
Coding change: c.2004G>A on transcript NM_014629.4 (MANE Select); coding-DNA position 2004, G replaced by A.
Protein change: p.Arg668=; no amino-acid change (arginine 668 retained).
Molecular consequence: synonymous variant.
Genome position (GRCh38, 1-based): chr8:1,909,331, G>A. VCF-style: chr8-1909331-G-A. GRCh37 (hg19) VCF-style: chr8-1857497-G-A.
Other names: c.1890G>A, p.Arg630= (NM_001308152.2); c.2004G>A, p.Arg668= (NM_001308153.3).
Identifiers: ClinVar variation 3049445 (VCV003049445.2), dbSNP rs1563270216, ClinGen allele CA459054945.